The following is an entry in ClinVar:

NM_000135.4(FANCA):c.2176T>C (p.Phe726Leu)

Gene: FANCA (FA complementation group A; minus strand). Cytogenetic location: 16q24.3.
Variant type: single nucleotide variant.
Coding change: c.2176T>C on transcript NM_000135.4 (MANE Select); coding-DNA position 2176, T replaced by C.
Protein change: p.Phe726Leu; replaces phenylalanine 726 with leucine.
Molecular consequence: missense variant.
Genome position (GRCh38, 1-based): chr16:89,770,610, A>G on the plus strand (T>C on the coding strand, the complement: FANCA is on the minus strand). VCF-style: chr16-89770610-A-G. GRCh37 (hg19) VCF-style: chr16-89837018-A-G.
Other names: c.2176T>C, p.Phe726Leu (NM_001286167.3); short protein forms F726L.
Identifiers: ClinVar variation 3512708 (VCV003512708.1).
Genomic context (GRCh38, chr16:89,770,610, plus strand): 5'-GCCCGCGCCTTCACCTCTCCGGGGGAGCGACACTGGAGGCAGCCATCAGGTTCTGACAGA[A>G]AGACGTCAGCAGGAGGTCCACAGCCTGCAGAGACACAGTTCTCATGAGCGTGGTGTCCTG-3'
Protein context (NP_000126.2, residues 716-736): HMAVDLLLTS[Phe726Leu]CQNLMAASSV

ClinVar aggregate classification (germline): Uncertain significance (1 of 4 stars; one submission).

Conditions:
Inborn genetic diseases. Identifiers: MedGen C0950123, MeSH D030342.

Submission:

Ambry Genetics
Classification: Uncertain significance for Inborn genetic diseases. Last evaluated: 2024-12-02. Review status: criteria provided, single submitter. Criteria: Ambry Variant Classification Scheme 2023. Collection method: clinical testing. Allele origin: germline.
Comment: The p.F726L variant (also known as c.2176T>C), located in coding exon 24 of the FANCA gene, results from a T to C substitution at nucleotide position 2176. The phenylalanine at codon 726 is replaced by leucine, an amino acid with highly similar properties. This amino acid position is conserved. In addition, this alteration is predicted to be deleterious by in silico analysis. Based on the available evidence, the clinical significance of this variant remains unclear.